The following is an entry in ClinVar:

ClinVar aggregate classification (germline): Uncertain significance (0 of 4 stars; one submission).

Conditions:
CPE-related disorder. Also called: CPE-related condition.

gnomAD v4.1: 19 of 1,609,150 alleles (0.0012%); highest among the groups gnomAD compares: Non-Finnish European, 0.0014%; no homozygotes.

Submission:

PreventionGenetics, part of Exact Sciences
Classification: Uncertain significance for CPE-related condition. Last evaluated: 2024-07-15. Review status: no assertion criteria provided. Collection method: clinical testing. Allele origin: germline.
Comment: The CPE c.169C>A variant is predicted to result in the amino acid substitution p.Pro57Thr. To our knowledge, this variant has not been reported in the literature. This variant is reported in 0.0049% of alleles in individuals of European (Non-Finnish) descent in gnomAD. At this time, the clinical significance of this variant is uncertain due to the absence of conclusive functional and genetic evidence.

NM_001873.4(CPE):c.169C>A (p.Pro57Thr)

Gene: CPE (carboxypeptidase E; plus strand). Cytogenetic location: 4q32.3.
Variant type: single nucleotide variant.
Coding change: c.169C>A on transcript NM_001873.4 (MANE Select); coding-DNA position 169, C replaced by A.
Protein change: p.Pro57Thr; replaces proline 57 with threonine.
Molecular consequence: missense variant.
Genome position (GRCh38, 1-based): chr4:165,379,390, C>A. VCF-style: chr4-165379390-C-A. GRCh37 (hg19) VCF-style: chr4-166300542-C-A.
Other names: short protein forms P57T.
Identifiers: ClinVar variation 3351288 (VCV003351288.1).
Genomic context (GRCh38, chr4:165,379,390, plus strand): 5'-ATGAGGCGGCGCCGGCGGCTGCAGCAAGAGGACGGCATCTCCTTCGAGTACCACCGCTAC[C>A]CCGAGCTGCGCGAGGCGCTCGTGTCCGTGTGGCTGCAGTGCACCGCCATCAGCAGGATTT-3'
Protein context (NP_001864.1, residues 47-67): DGISFEYHRY[Pro57Thr]ELREALVSVW